The following is an entry in ClinVar:

ClinVar aggregate classification (germline): Uncertain significance (1 of 4 stars; one submission).

Allele frequency attached by ClinVar (database versions not stated): gnomAD exomes below 0.00001; TOPMed 0.00001.
gnomAD v4.1: 5 of 1,614,094 alleles (0.00031%); highest among the groups gnomAD compares: Admixed American, 0.0033%; no homozygotes.

Submission:

Labcorp Genetics (formerly Invitae), Labcorp
Classification: Uncertain significance. Last evaluated: 2024-11-04. Review status: criteria provided, single submitter. Criteria: Invitae Variant Classification Sherloc (09022015). Collection method: clinical testing. Allele origin: germline.
Comment: This sequence change replaces isoleucine, which is neutral and non-polar, with valine, which is neutral and non-polar, at codon 347 of the KANK1 protein (p.Ile347Val). This variant is present in population databases (no rsID available, gnomAD 0.003%). This variant has not been reported in the literature in individuals affected with KANK1-related conditions. ClinVar contains an entry for this variant (Variation ID: 1438877). Invitae Evidence Modeling of protein sequence and biophysical properties (such as structural, functional, and spatial information, amino acid conservation, physicochemical variation, residue mobility, and thermodynamic stability) has been performed for this missense variant. However, the output from this modeling did not meet the statistical confidence thresholds required to predict the impact of this variant on KANK1 protein function. In summary, the available evidence is currently insufficient to determine the role of this variant in disease. Therefore, it has been classified as a Variant of Uncertain Significance.

NM_015158.5(KANK1):c.1039A>G (p.Ile347Val)

Gene: KANK1 (KN motif and ankyrin repeat domains 1; plus strand). Cytogenetic location: 9p24.3.
Variant type: single nucleotide variant.
Coding change: c.1039A>G on transcript NM_015158.5 (MANE Select); coding-DNA position 1039, A replaced by G.
Protein change: p.Ile347Val; replaces isoleucine 347 with valine.
Molecular consequence: missense variant. On other transcripts: non-coding transcript variant (1).
Genome position (GRCh38, 1-based): chr9:711,805, A>G. VCF-style: chr9-711805-A-G. GRCh37 (hg19) VCF-style: chr9-711805-A-G.
Other names: c.1039A>G, p.Ile347Val (NM_001256876.3, NM_001256877.3, NM_001354331.2 and 2 more transcripts); c.565A>G, p.Ile189Val (NM_001354333.2, NM_001354335.2, NM_001354336.2 and 9 more transcripts); short protein forms I347V, I189V.
Identifiers: ClinVar variation 1438877 (VCV001438877.8), dbSNP rs1171621291, ClinGen allele CA372747378.